The following is an entry in ClinVar:

NM_001384732.1(CPLANE1):c.337+4G>A

Gene: CPLANE1 (ciliogenesis and planar polarity effector complex subunit 1; minus strand). Cytogenetic location: 5p13.2.
Variant type: single nucleotide variant.
Coding change: c.337+4G>A on transcript NM_001384732.1 (MANE Select); 4 bases into the intron after coding-DNA position 337, G replaced by A.
Molecular consequence: intron variant.
Genome position (GRCh38, 1-based): chr5:37,245,475, C>T on the plus strand (G>A on the coding strand, the complement: CPLANE1 is on the minus strand). VCF-style: chr5-37245475-C-T. GRCh37 (hg19) VCF-style: chr5-37245577-C-T.
Other names: c.337+4G>A (NM_023073.4).
Identifiers: ClinVar variation 2017364 (VCV002017364.4), dbSNP rs2548951071, ClinGen allele CA2578291665.

ClinVar aggregate classification (germline): Uncertain significance (1 of 4 stars; one submission).

Allele frequency attached by ClinVar (database versions not stated): gnomAD exomes below 0.00001.
gnomAD v4.1: 6 of 1,438,310 alleles (0.00042%); highest among the groups gnomAD compares: Non-Finnish European, 0.00055%; no homozygotes.

Submission:

Labcorp Genetics (formerly Invitae), Labcorp
Classification: Uncertain significance. Last evaluated: 2024-02-05. Review status: criteria provided, single submitter. Criteria: Invitae Variant Classification Sherloc (09022015). Collection method: clinical testing. Allele origin: germline.
Comment: This sequence change falls in intron 4 of the CPLANE1 gene. It does not directly change the encoded amino acid sequence of the CPLANE1 protein. It affects a nucleotide within the consensus splice site. This variant is not present in population databases (gnomAD no frequency). This variant has not been reported in the literature in individuals affected with CPLANE1-related conditions. ClinVar contains an entry for this variant (Variation ID: 2017364). Variants that disrupt the consensus splice site are a relatively common cause of aberrant splicing (PMID: 17576681, 9536098). Algorithms developed to predict the effect of sequence changes on RNA splicing suggest that this variant is not likely to affect RNA splicing. In summary, the available evidence is currently insufficient to determine the role of this variant in disease. Therefore, it has been classified as a Variant of Uncertain Significance.

Literature cited by the submitters: PubMed 17576681; PubMed 9536098.